The following is an entry in ClinVar:

NM_002432.3(MNDA):c.495C>A (p.Ser165Arg)

Gene: MNDA (myeloid cell nuclear differentiation antigen; plus strand). Cytogenetic location: 1q23.1.
Variant type: single nucleotide variant.
Coding change: c.495C>A on transcript NM_002432.3 (MANE Select); coding-DNA position 495, C replaced by A.
Protein change: p.Ser165Arg; replaces serine 165 with arginine.
Molecular consequence: missense variant.
Genome position (GRCh38, 1-based): chr1:158,844,047, C>A. VCF-style: chr1-158844047-C-A. GRCh37 (hg19) VCF-style: chr1-158813837-C-A.
Other names: short protein forms S165R.
Identifiers: ClinVar variation 1744376 (VCV001744376.2), dbSNP rs1156496876, ClinGen allele CA343039316.

ClinVar aggregate classification (germline): Uncertain significance (1 of 4 stars; one submission).

gnomAD v4.1: 13 of 1,613,852 alleles (0.00081%); highest among the groups gnomAD compares: Admixed American, 0.0017%; no homozygotes.

Submission:

Ambry Genetics
Classification: Uncertain significance. Last evaluated: 2022-01-30. Review status: criteria provided, single submitter. Criteria: Ambry Variant Classification Scheme 2023. Collection method: clinical testing. Allele origin: germline.
Comment: The p.S165R variant (also known as c.495C>A), located in coding exon 3 of the MNDA gene, results from a C to A substitution at nucleotide position 495. The serine at codon 165 is replaced by arginine, an amino acid with dissimilar properties. This amino acid position is conserved. In addition, this alteration is predicted to be tolerated by in silico analysis. Since supporting evidence is limited at this time, the clinical significance of this alteration remains unclear.